The following is an entry in ClinVar:

ClinVar aggregate classification (germline): Likely pathogenic (1 of 4 stars; one submission).

Submission:

Labcorp Genetics (formerly Invitae), Labcorp
Classification: Likely pathogenic. Last evaluated: 2023-11-13. Review status: criteria provided, single submitter. Criteria: Invitae Variant Classification Sherloc (09022015). Collection method: clinical testing. Allele origin: germline.
Comment: This sequence change replaces isoleucine, which is neutral and non-polar, with threonine, which is neutral and polar, at codon 1590 of the FLNB protein (p.Ile1590Thr). This variant is not present in population databases (gnomAD no frequency). This missense change has been observed in individual(s) with clinical features of Larson syndrome (Invitae). In at least one individual the variant was observed to be de novo. ClinVar contains an entry for this variant (Variation ID: 1006578). Advanced modeling of protein sequence and biophysical properties (such as structural, functional, and spatial information, amino acid conservation, physicochemical variation, residue mobility, and thermodynamic stability) performed at Invitae indicates that this missense variant is not expected to disrupt FLNB protein function with a negative predictive value of 95%. In summary, the currently available evidence indicates that the variant is pathogenic, but additional data are needed to prove that conclusively. Therefore, this variant has been classified as Likely Pathogenic.

NM_001457.4(FLNB):c.4769T>C (p.Ile1590Thr)

Gene: FLNB (filamin B; plus strand). Cytogenetic location: 3p14.3.
Variant type: single nucleotide variant.
Coding change: c.4769T>C on transcript NM_001457.4 (MANE Select); coding-DNA position 4769, T replaced by C.
Protein change: p.Ile1590Thr; replaces isoleucine 1590 with threonine.
Molecular consequence: missense variant.
Genome position (GRCh38, 1-based): chr3:58,136,076, T>C. VCF-style: chr3-58136076-T-C. GRCh37 (hg19) VCF-style: chr3-58121803-T-C.
Other names: c.4862T>C, p.Ile1621Thr (NM_001164317.2); c.4769T>C, p.Ile1590Thr (NM_001164318.2, NM_001164319.2); short protein forms I1590T, I1621T.
Identifiers: ClinVar variation 1006578 (VCV001006578.5), dbSNP rs2097315324, ClinGen allele CA353352128.